The following is an entry in ClinVar:

ClinVar aggregate classification (germline): Uncertain significance (1 of 4 stars; one submission).

Submission:

GeneDx
Classification: Uncertain significance. Last evaluated: 2025-05-06. Review status: criteria provided, single submitter. Criteria: GeneDx Variant Classification Process June 2021. Collection method: clinical testing. Allele origin: germline. Affected: yes.
Comment: Not observed at significant frequency in large population cohorts (gnomAD); In silico analysis supports that this missense variant has a deleterious effect on protein structure/function; Has not been previously published as pathogenic or benign to our knowledge

NM_001291415.2(KDM6A):c.623A>G (p.Gln208Arg)

Gene: KDM6A (lysine demethylase 6A; plus strand). Cytogenetic location: Xp11.3.
Variant type: single nucleotide variant.
Coding change: c.623A>G on transcript NM_001291415.2 (MANE Select); coding-DNA position 623, A replaced by G.
Protein change: p.Gln208Arg; replaces glutamine 208 with arginine.
Molecular consequence: missense variant. On other transcripts: 5 prime UTR variant (1), non-coding transcript variant (1).
Genome position (GRCh38, 1-based): chrX:45,037,658, A>G. VCF-style: chrX-45037658-A-G. GRCh37 (hg19) VCF-style: chrX-44896903-A-G.
Other names: c.623A>G, p.Gln208Arg (NM_001291416.2, NM_001291417.2, NM_001291418.2 and 9 more transcripts); c.-131A>G (NM_001291421.2); short protein forms Q208R.
Identifiers: ClinVar variation 4528074 (VCV004528074.1).